The following is an entry in ClinVar:

NM_000260.4(MYO7A):c.5598C>T (p.Leu1866=)

Gene: MYO7A (myosin VIIA; plus strand). Cytogenetic location: 11q13.5.
Variant type: single nucleotide variant.
Coding change: c.5598C>T on transcript NM_000260.4 (MANE Select); coding-DNA position 5598, C replaced by T.
Protein change: p.Leu1866=; no amino-acid change (leucine 1866 retained).
Molecular consequence: synonymous variant.
Genome position (GRCh38, 1-based): chr11:77,205,579, C>T. VCF-style: chr11-77205579-C-T. GRCh37 (hg19) VCF-style: chr11-76916624-C-T.
Other names: c.5484C>T, p.Leu1828= (NM_001127180.2); c.5451C>T, p.Leu1817= (NM_001369365.1).
Identifiers: ClinVar variation 43290 (VCV000043290.25), dbSNP rs111033504, ClinGen allele CA132394.
Genomic context (GRCh38, chr11:77,205,579, plus strand): 5'-CAGCAACATCCTCCTGCCCCACGTGCAGCGCTTCCTGCAGTCCCGAAAGCACTGCCCACT[C>T]GCCATCGACTGCCTGCAACGGCTCCAGAAAGCCCTGAGGTACAGCGGCCACCAGGGGCAG-3'
Protein context (NP_000251.3, residues 1856-1876): RFLQSRKHCP[Leu1866=]AIDCLQRLQK

ClinVar aggregate classification (germline): Conflicting classifications of pathogenicity. Review status: criteria provided, conflicting classifications (1 of 4 stars). 10 submissions from 8 submitters: Uncertain significance (1); Benign (4); Likely benign (2). 3 of the submissions do not count toward it. Last evaluated 2026-02-02.

Conditions:
Usher syndrome type 1 (USH1). Also called: RETINITIS PIGMENTOSA AND CONGENITAL DEAFNESS. Identifiers: Orphanet 231169, Orphanet 886, MedGen C1568247, MONDO:0010168, OMIM 276900.
Usher syndrome type 1B (USH1B). Also called: Usher syndrome type IB. Identifiers: MedGen C1848638, MONDO:0700087.
Autosomal recessive nonsyndromic hearing loss 2. Also called: DEAFNESS, AUTOSOMAL RECESSIVE 2; NEUROSENSORY NONSYNDROMIC RECESSIVE DEAFNESS 2. Identifiers: Orphanet 90636, MedGen C1838701, MONDO:0010807, OMIM 600060.
Autosomal dominant nonsyndromic hearing loss 11. Identifiers: Orphanet 90635, MedGen C1832475, MONDO:0011032, OMIM 601317.

Allele frequency attached by ClinVar (database versions not stated): ESP Exome Variant Server 0.00719; 1000 Genomes Project 0.00739; 1000 Genomes Project 30x 0.00765; TOPMed 0.00798.
gnomAD v4.1: 2,108 of 1,613,434 alleles (0.13%); highest among the groups gnomAD compares: African/African-American, 2.4%; 24 homozygotes.

Submissions (10):

Labcorp Genetics (formerly Invitae), Labcorp
Classification: Benign. Last evaluated: 2026-02-02. Review status: criteria provided, single submitter. Criteria: Invitae Variant Classification Sherloc (09022015). Collection method: clinical testing. Allele origin: germline.

Blueprint Genetics
Classification: Likely benign. Last evaluated: 2024-11-06. Review status: criteria provided, single submitter. Criteria: ACMG Guidelines, 2015. Collection method: clinical testing. Allele origin: germline.

GeneDx
Classification: Benign. Last evaluated: 2019-05-20. Review status: criteria provided, single submitter. Criteria: GeneDx Variant Classification Process June 2021. Collection method: clinical testing. Allele origin: germline. Affected: yes.

Illumina Laboratory Services, Illumina
Classification: Benign for Autosomal dominant nonsyndromic hearing loss 11. Last evaluated: 2018-01-13. Review status: criteria provided, single submitter. Criteria: ICSL Variant Classification Criteria 13 December 2019. Collection method: clinical testing. Allele origin: germline.
Comment: This variant was observed in the ICSL laboratory as part of a predisposition screen in an ostensibly healthy population. It had not been previously curated by ICSL or reported in the Human Gene Mutation Database (HGMD: prior to June 1st, 2018), and was therefore a candidate for classification through an automated scoring system. Utilizing variant allele frequency, disease prevalence and penetrance estimates, and inheritance mode, an automated score was calculated to assess if this variant is too frequent to cause the disease. Based on the score and internal cut-off values, a variant classified as benign is not then subjected to further curation. The score for this variant resulted in a classification of benign for this disease.

Illumina Laboratory Services, Illumina
Classification: Uncertain significance for Autosomal recessive nonsyndromic hearing loss 2. Last evaluated: 2018-01-13. Review status: criteria provided, single submitter. Criteria: ICSL Variant Classification Criteria 13 December 2019. Collection method: clinical testing. Allele origin: germline.

Illumina Laboratory Services, Illumina
Classification: Likely benign for Usher syndrome type 1. Last evaluated: 2018-01-13. Review status: criteria provided, single submitter. Criteria: ICSL Variant Classification Criteria 13 December 2019. Collection method: clinical testing. Allele origin: germline.
Comment: This variant was observed in the ICSL laboratory as part of a predisposition screen in an ostensibly healthy population. It had not been previously curated by ICSL or reported in the Human Gene Mutation Database (HGMD: prior to June 1st, 2018), and was therefore a candidate for classification through an automated scoring system. Utilizing variant allele frequency, disease prevalence and penetrance estimates, and inheritance mode, an automated score was calculated to assess if this variant is too frequent to cause the disease. Based on the score and internal cut-off values, a variant classified as likely benign is not then subjected to further curation. The score for this variant resulted in a classification of likely benign for this disease.

Laboratory for Molecular Medicine, Mass General Brigham Personalized Medicine
Classification: Benign. Last evaluated: 2012-02-20. Review status: criteria provided, single submitter. Criteria: LMM Criteria. Collection method: clinical testing. Allele origin: germline. Observed: 8 variant alleles.
Comment: Leu1866Leu in exon 40 of MYO7A: This variant is not expected to have clinical si gnificance because it does not alter an amino acid residue, is not located withi n the splice consensus sequence and has been identified in 2.3% (82/3550) of Afr ican American chromosomes from a broad population by the NHLBI Exome Sequencing Project (dbSNP rs111033504).

Natera, Inc.
Classification: Benign for Usher syndrome type 1B. Last evaluated: 2019-12-05. Review status: no assertion criteria provided. Collection method: clinical testing. Allele origin: germline. Not counted in ClinVar's aggregate classification.

Clinical Genetics DNA and cytogenetics Diagnostics Lab, Erasmus MC, Erasmus Medical Center
Classification: Benign. Review status: no assertion criteria provided. Collection method: clinical testing. Allele origin: germline. Affected: yes. Study: VKGL Data-share Consensus. Not counted in ClinVar's aggregate classification.

Clinical Genetics, Academic Medical Center
Classification: Benign. Review status: no assertion criteria provided. Collection method: clinical testing. Allele origin: germline. Affected: yes. Study: VKGL Data-share Consensus. Not counted in ClinVar's aggregate classification.

Literature cited by the submitters: PubMed 19683999 (cited by Laboratory for Molecular Medicine, Mass General Brigham Personalized Medicine); PubMed 20146813 (cited by Laboratory for Molecular Medicine, Mass General Brigham Personalized Medicine).